The following is an entry in ClinVar:

NM_001711.6(BGN):c.1046C>T (p.Pro349Leu)

Gene: BGN (biglycan; plus strand). Cytogenetic location: Xq28.
Variant type: single nucleotide variant.
Coding change: c.1046C>T on transcript NM_001711.6 (MANE Select); coding-DNA position 1046, C replaced by T.
Protein change: p.Pro349Leu; replaces proline 349 with leucine.
Molecular consequence: missense variant.
Genome position (GRCh38, 1-based): chrX:153,508,384, C>T. VCF-style: chrX-153508384-C-T. GRCh37 (hg19) VCF-style: chrX-152773842-C-T.
Other names: short protein forms P349L.
Identifiers: ClinVar variation 1775496 (VCV001775496.8), dbSNP rs782393098, ClinGen allele CA10547385.

ClinVar aggregate classification (germline): Uncertain significance. Review status: criteria provided, multiple submitters, no conflicts (2 of 4 stars). 2 submissions from 2 submitters: Uncertain significance (2). Last evaluated 2025-05-16.

Conditions:
Cardiovascular phenotype. Identifiers: MedGen CN230736.

Allele frequency attached by ClinVar (database versions not stated): gnomAD exomes 0.00001; TOPMed 0.00001; ExAC 0.00002.

Submissions (2):

Ambry Genetics
Classification: Uncertain significance for Cardiovascular phenotype. Last evaluated: 2025-05-16. Review status: criteria provided, single submitter. Criteria: Ambry Variant Classification Scheme 2023. Collection method: clinical testing. Allele origin: germline.

Labcorp Genetics (formerly Invitae), Labcorp
Classification: Uncertain significance. Last evaluated: 2024-12-17. Review status: criteria provided, single submitter. Criteria: Invitae Variant Classification Sherloc (09022015). Collection method: clinical testing. Allele origin: germline.
Comment: This sequence change replaces proline, which is neutral and non-polar, with leucine, which is neutral and non-polar, at codon 349 of the BGN protein (p.Pro349Leu). This variant is present in population databases (rs782393098, gnomAD 0.002%). This variant has not been reported in the literature in individuals affected with BGN-related conditions. ClinVar contains an entry for this variant (Variation ID: 1775496). An algorithm developed to predict the effect of missense changes on protein structure and function (PolyPhen-2) suggests that this variant is likely to be disruptive. In summary, the available evidence is currently insufficient to determine the role of this variant in disease. Therefore, it has been classified as a Variant of Uncertain Significance.